The following is an entry in ClinVar:

NM_022455.5(NSD1):c.3271C>A (p.Leu1091Ile)

Gene: NSD1 (nuclear receptor binding SET domain protein 1; plus strand). Cytogenetic location: 5q35.3.
Variant type: single nucleotide variant.
Coding change: c.3271C>A on transcript NM_022455.5 (MANE Select); coding-DNA position 3271, C replaced by A.
Protein change: p.Leu1091Ile; replaces leucine 1091 with isoleucine.
Molecular consequence: missense variant.
Genome position (GRCh38, 1-based): chr5:177,211,670, C>A. VCF-style: chr5-177211670-C-A. GRCh37 (hg19) VCF-style: chr5-176638671-C-A.
Other names: c.2398C>A, p.Leu800Ile (NM_001365684.2, NM_001409306.1, NM_001409307.1 and 3 more transcripts); c.3271C>A, p.Leu1091Ile (NM_001409301.1, NM_001409302.1, NM_001409303.1); c.2851C>A, p.Leu951Ile (NM_001409304.1); c.2518C>A, p.Leu840Ile (NM_001409305.1); short protein forms L1091I, L822I, L951I, L800I, L840I.
Identifiers: ClinVar variation 159304 (VCV000159304.27), dbSNP rs35597015, ClinGen allele CA172798.

ClinVar aggregate classification (germline): Benign/Likely benign. Review status: criteria provided, multiple submitters, no conflicts (2 of 4 stars). 6 submissions from 6 submitters: Benign (1); Likely benign (5). Last evaluated 2026-05-01.

Conditions:
Sotos syndrome (SOTOS). Also called: CHROMOSOME 5q35 DELETION SYNDROME; CEREBRAL GIGANTISM; Sotos' syndrome; Distinctive facial appearance, overgrowth in childhood, and learning disabilities or delayed development; SOTOS SYNDROME 1. Identifiers: Orphanet 821, MedGen C0175695, MONDO:0019349, OMIM 117550.
Inborn genetic diseases. Identifiers: MedGen C0950123, MeSH D030342.

Allele frequency attached by ClinVar (database versions not stated): ExAC 0.00006; gnomAD exomes 0.00007 and 0.00019; gnomAD 0.00009 and 0.00011; TOPMed 0.00011; ESP Exome Variant Server 0.00023.
gnomAD v4.1: 306 of 1,613,960 alleles (0.019%); highest among the groups gnomAD compares: Non-Finnish European, 0.024%; no homozygotes.

Submissions (6):

CeGaT Center for Human Genetics Tuebingen
Classification: Likely benign. Last evaluated: 2026-05-01. Review status: criteria provided, single submitter. Criteria: CeGaT Center For Human Genetics Tuebingen Variant Classification Criteria Version 2. Collection method: clinical testing. Allele origin: germline. Affected: yes. Observed: 2 variant alleles.
Comment: NSD1: BS2

Ambry Genetics
Classification: Likely benign for Inborn genetic diseases. Last evaluated: 2025-08-13. Review status: criteria provided, single submitter. Criteria: Ambry Variant Classification Scheme 2023. Collection method: clinical testing. Allele origin: germline.

Labcorp Genetics (formerly Invitae), Labcorp
Classification: Likely benign. Last evaluated: 2025-06-26. Review status: criteria provided, single submitter. Criteria: Invitae Variant Classification Sherloc (09022015). Collection method: clinical testing. Allele origin: germline.

Blueprint Genetics
Classification: Likely benign. Last evaluated: 2024-06-26. Review status: criteria provided, single submitter. Criteria: ACMG Guidelines, 2015. Collection method: clinical testing. Allele origin: germline.

Genome-Nilou Lab
Classification: Likely benign for Sotos syndrome. Last evaluated: 2021-07-15. Review status: criteria provided, single submitter. Criteria: ACMG Guidelines, 2015. Collection method: clinical testing. Allele origin: germline. Affected: no.

Genetic Services Laboratory, University of Chicago
Classification: Benign. Last evaluated: 2013-02-08. Review status: criteria provided, single submitter. Criteria: ACMG Guidelines, 2007. Collection method: clinical testing. Allele origin: germline. Inheritance: Autosomal dominant inheritance.